The following is an entry in ClinVar:

NM_005236.3(ERCC4):c.2164A>G (p.Met722Val)

Gene: ERCC4 (ERCC excision repair 4, endonuclease catalytic subunit; plus strand). Cytogenetic location: 16p13.12.
Variant type: single nucleotide variant.
Coding change: c.2164A>G on transcript NM_005236.3 (MANE Select); coding-DNA position 2164, A replaced by G.
Protein change: p.Met722Val; replaces methionine 722 with valine.
Molecular consequence: missense variant.
Genome position (GRCh38, 1-based): chr16:13,947,760, A>G. VCF-style: chr16-13947760-A-G. GRCh37 (hg19) VCF-style: chr16-14041617-A-G.
Other names: short protein forms M722V.
Identifiers: ClinVar variation 1683628 (VCV001683628.4), dbSNP rs754771000, ClinGen allele CA7910689.

ClinVar aggregate classification (germline): Uncertain significance. Review status: criteria provided, multiple submitters, no conflicts (2 of 4 stars). 2 submissions from 2 submitters: Uncertain significance (2). Last evaluated 2025-06-06.

Conditions:
Fanconi anemia complementation group Q. Identifiers: Orphanet 84, MedGen C3808988, MONDO:0014108, OMIM 615272.

Allele frequency attached by ClinVar (database versions not stated): gnomAD exomes below 0.00001; TOPMed below 0.00001; ExAC 0.00001.
gnomAD v4.1: 1 of 1,614,138 alleles (0.000062%); highest among the groups gnomAD compares: Non-Finnish European, 0.000085%; no homozygotes.

Submissions (2):

Dasa
Classification: Uncertain significance. Last evaluated: 2025-06-06. Review status: criteria provided, single submitter. Criteria: DASA Assertion Criteria. Collection method: clinical testing. Allele origin: germline.
Comment: NM_005236.3(ERCC4):c.2164A>G (p.Met722Val) is a missense variant that results in the substitution of methionine with valine. This variant is rare in population databases. Computational prediction algorithms are consistent with a benign effect. The currently available literature and clinical evidence are not sufficient to establish a definitive association between this variant and the reported condition. Therefore, this variant is classified as a variant of uncertain significance.

Laboratorio de Genetica e Diagnostico Molecular, Hospital Israelita Albert Einstein
Classification: Uncertain significance for Fanconi anemia complementation group Q. Last evaluated: 2021-03-24. Review status: criteria provided, single submitter. Criteria: ACMG Guidelines, 2015. Collection method: clinical testing. Allele origin: germline. Affected: yes.
Comment: ACMG classification criteria: BP4 supporting